The following is an entry in ClinVar:

ClinVar aggregate classification (germline): Benign/Likely benign. Review status: criteria provided, multiple submitters, no conflicts (2 of 4 stars). 12 submissions from 12 submitters: Benign (7); Likely benign (4). 1 of the submissions does not count toward it. Last evaluated 2026-01-24.

Conditions:
Inborn genetic diseases. Identifiers: MedGen C0950123, MeSH D030342.
Cornelia de Lange syndrome 1 (CDLS1). Also called: TYPUS DEGENERATIVUS AMSTELODAMENSIS; Brachmann de Lange syndrome; NIPBL-Related Cornelia de Lange Syndrome. Identifiers: Orphanet 199, MedGen C4551851, MONDO:0007387, OMIM 122470.

Allele frequency attached by ClinVar (database versions not stated): gnomAD exomes 0.00023 and 0.00064; ExAC 0.00075; ESP Exome Variant Server 0.00208; gnomAD 0.00267 and 0.00280; TOPMed 0.00296; 1000 Genomes Project 0.00319; 1000 Genomes Project 30x 0.00328.
gnomAD v4.1: 757 of 1,610,946 alleles (0.047%); highest among the groups gnomAD compares: African/African-American, 0.92%; no homozygotes.

Submissions (12):

Labcorp Genetics (formerly Invitae), Labcorp
Classification: Benign for Cornelia de Lange syndrome 1. Last evaluated: 2026-01-24. Review status: criteria provided, single submitter. Criteria: Invitae Variant Classification Sherloc (09022015). Collection method: clinical testing. Allele origin: germline.

Blueprint Genetics
Classification: Likely benign. Last evaluated: 2024-10-22. Review status: criteria provided, single submitter. Criteria: ACMG Guidelines, 2015. Collection method: clinical testing. Allele origin: germline.

CeGaT Center for Human Genetics Tuebingen
Classification: Likely benign. Last evaluated: 2023-02-01. Review status: criteria provided, single submitter. Criteria: CeGaT Center For Human Genetics Tuebingen Variant Classification Criteria Version 2. Collection method: clinical testing. Allele origin: germline. Affected: yes. Observed: 1 variant allele.
Comment: NIPBL: BP4, BP7, BS1

Genome-Nilou Lab
Classification: Benign for Cornelia de Lange syndrome 1. Last evaluated: 2021-07-15. Review status: criteria provided, single submitter. Criteria: ACMG Guidelines, 2015. Collection method: clinical testing. Allele origin: germline. Affected: no.

Athena Diagnostics
Classification: Benign. Last evaluated: 2018-06-14. Review status: criteria provided, single submitter. Criteria: Athena Diagnostics Criteria. Collection method: clinical testing. Allele origin: germline.

GeneDx
Classification: Benign. Last evaluated: 2018-01-22. Review status: criteria provided, single submitter. Criteria: GeneDx Variant Classification (06012015). Collection method: clinical testing. Allele origin: germline. Affected: yes.
Comment: This variant is considered likely benign or benign based on one or more of the following criteria: it is a conservative change, it occurs at a poorly conserved position in the protein, it is predicted to be benign by multiple in silico algorithms, and/or has population frequency not consistent with disease.

Illumina Laboratory Services, Illumina
Classification: Benign for Cornelia de Lange syndrome 1. Last evaluated: 2018-01-13. Review status: criteria provided, single submitter. Criteria: ICSL Variant Classification Criteria 13 December 2019. Collection method: clinical testing. Allele origin: germline.
Comment: This variant was observed in the ICSL laboratory as part of a predisposition screen in an ostensibly healthy population. It had not been previously curated by ICSL or reported in the Human Gene Mutation Database (HGMD: prior to June 1st, 2018), and was therefore a candidate for classification through an automated scoring system. Utilizing variant allele frequency, disease prevalence and penetrance estimates, and inheritance mode, an automated score was calculated to assess if this variant is too frequent to cause the disease. Based on the score and internal cut-off values, a variant classified as benign is not then subjected to further curation. The score for this variant resulted in a classification of benign for this disease.

Ambry Genetics
Classification: Likely benign for Inborn genetic diseases. Last evaluated: 2016-12-22. Review status: criteria provided, single submitter. Criteria: Ambry Variant Classification Scheme 2023. Collection method: clinical testing. Allele origin: germline.

Eurofins Ntd Llc (ga)
Classification: Benign. Last evaluated: 2015-09-25. Review status: criteria provided, single submitter. Criteria: EGL Classification Definitions 2015. Collection method: clinical testing. Allele origin: germline. Observed: 1 variant allele, 1 heterozygote.

Breakthrough Genomics
Classification: Likely benign. Review status: criteria provided, single submitter. Criteria: ACMG Guidelines, 2015. Collection method: not provided. Allele origin: germline. Inheritance: Autosomal dominant inheritance. Affected: yes.

PreventionGenetics, part of Exact Sciences
Classification: Benign. Review status: criteria provided, single submitter. Criteria: ACMG Guidelines, 2015. Collection method: clinical testing. Allele origin: germline.

Genetic Services Laboratory, University of Chicago
Classification: Uncertain significance for Cornelia de Lange syndrome 1. Review status: no assertion criteria provided. Collection method: not provided. Allele origin: unknown. Not counted in ClinVar's aggregate classification.
ClinVar note: Converted during submission from unknown significance to Uncertain significance.

NM_133433.4(NIPBL):c.3897T>C (p.Leu1299=)

Gene: NIPBL (NIPBL cohesin loading factor; plus strand). Cytogenetic location: 5p13.2.
Variant type: single nucleotide variant.
Coding change: c.3897T>C on transcript NM_133433.4 (MANE Select); coding-DNA position 3897, T replaced by C.
Protein change: p.Leu1299=; no amino-acid change (leucine 1299 retained).
Molecular consequence: synonymous variant.
Genome position (GRCh38, 1-based): chr5:37,006,398, T>C. VCF-style: chr5-37006398-T-C. GRCh37 (hg19) VCF-style: chr5-37006500-T-C.
Other names: c.3897T>C, p.Leu1299= (NM_015384.5).
Identifiers: ClinVar variation 99927 (VCV000099927.54), dbSNP rs80358354, ClinGen allele CA267530.